The following is an entry in ClinVar:

NM_024513.4(FYCO1):c.*315G>A

Gene: FYCO1 (FYVE and coiled-coil domain autophagy adaptor 1; minus strand). Cytogenetic location: 3p21.31.
Variant type: single nucleotide variant.
Coding change: c.*315G>A on transcript NM_024513.4 (MANE Select); 315 bases downstream of the stop codon, G replaced by A.
Molecular consequence: 3 prime UTR variant.
Genome position (GRCh38, 1-based): chr3:45,921,450, C>T on the plus strand (G>A on the coding strand, the complement: FYCO1 is on the minus strand). VCF-style: chr3-45921450-C-T. GRCh37 (hg19) VCF-style: chr3-45962942-C-T.
Identifiers: ClinVar variation 345487 (VCV000345487.6), dbSNP rs2291470, ClinGen allele CA10618929.

ClinVar aggregate classification (germline): Benign. Review status: criteria provided, multiple submitters, no conflicts (2 of 4 stars). 2 submissions from 2 submitters: Benign (2). Last evaluated 2018-01-13.

Conditions:
Cataract 18 (CATC2). Also called: CATARACT 18, AUTOSOMAL RECESSIVE. Identifiers: Orphanet 91492, Orphanet 98991, Orphanet 98992, Orphanet 98995, MedGen C1864908, MONDO:0012395, OMIM 610019.

Allele frequency attached by ClinVar (database versions not stated): gnomAD 0.35781; TOPMed 0.36478; 1000 Genomes Project 30x 0.40350; gnomAD exomes 0.40399; 1000 Genomes Project 0.40974.
gnomAD v4.1: 150,148 of 385,926 alleles (39%); highest among the groups gnomAD compares: East Asian, 63%; 31,468 homozygotes.

Submissions (2):

Illumina Laboratory Services, Illumina
Classification: Benign for Cataract 18. Last evaluated: 2018-01-13. Review status: criteria provided, single submitter. Criteria: ICSL Variant Classification Criteria 13 December 2019. Collection method: clinical testing. Allele origin: germline.
Comment: This variant was observed in the ICSL laboratory as part of a predisposition screen in an ostensibly healthy population. It had not been previously curated by ICSL or reported in the Human Gene Mutation Database (HGMD: prior to June 1st, 2018), and was therefore a candidate for classification through an automated scoring system. Utilizing variant allele frequency, disease prevalence and penetrance estimates, and inheritance mode, an automated score was calculated to assess if this variant is too frequent to cause the disease. Based on the score and internal cut-off values, a variant classified as benign is not then subjected to further curation. The score for this variant resulted in a classification of benign for this disease.

Breakthrough Genomics
Classification: Benign. Review status: criteria provided, single submitter. Criteria: ACMG Guidelines, 2015. Collection method: not provided. Allele origin: germline. Inheritance: Autosomal recessive inheritance. Affected: yes.